The following is an entry in ClinVar:

NM_000046.5(ARSB):c.1336+2T>G

Gene: ARSB (arylsulfatase B; minus strand). Cytogenetic location: 5q14.1.
Variant type: single nucleotide variant.
Coding change: c.1336+2T>G on transcript NM_000046.5 (MANE Select); the canonical splice donor site of the intron after coding-DNA position 1336, T replaced by G.
Molecular consequence: splice donor variant.
Genome position (GRCh38, 1-based): chr5:78,781,850, A>C on the plus strand (T>G on the coding strand, the complement: ARSB is on the minus strand). VCF-style: chr5-78781850-A-C. GRCh37 (hg19) VCF-style: chr5-78077673-A-C.
Identifiers: ClinVar variation 559702 (VCV000559702.51), dbSNP rs768012515, ClinGen allele CA3318027.
Genomic context (GRCh38, chr5:78,781,850, plus strand): 5'-TGAGGACACAGCCCTGCTTTGTCTACCACGGGAAGGGAAGTTTGCTAAGCTAAGGACTCT[A>C]CCTGGGTAGCCCGTGAGGAGTTTCCAATTTCCATGTCTAATTGCAGCATGGACAGATGTG-3'

ClinVar aggregate classification (germline): Conflicting classifications of pathogenicity. Review status: criteria provided, conflicting classifications (1 of 4 stars). 6 submissions from 6 submitters: Pathogenic (5); Uncertain significance (1). Last evaluated 2024-09-10.

Conditions:
Mucopolysaccharidosis type 6 (MPS6). Also called: ARSB DEFICIENCY; ARYLSULFATASE B DEFICIENCY; N-ACETYLGALACTOSAMINE-4-SULFATASE DEFICIENCY; MPS 6; Maroteaux Lamy syndrome; MPS VI. Identifiers: Orphanet 583, MedGen C0026709, MONDO:0009661, OMIM 253200.

Allele frequency attached by ClinVar (database versions not stated): gnomAD exomes 0.00001; TOPMed 0.00001; ExAC 0.00002; gnomAD 0.00003.
gnomAD v4.1: 15 of 1,613,962 alleles (0.00093%); highest among the groups gnomAD compares: Non-Finnish European, 0.0013%; no homozygotes.

Submissions (6):

Natera, Inc.
Classification: Pathogenic for Mucopolysaccharidosis type VI. Last evaluated: 2024-09-10. Review status: criteria provided, single submitter. Criteria: Natera Variant Classification Schema (03/2026). Collection method: clinical testing. Allele origin: germline.
Comment: The c.1336+2T>G variant in ARSB is a canonical splice donor site variant predicted to affect pre-mRNA splicing, which may result in an abnormal transcript and altered protein product. This variant is expected to result in nonsense mediated decay, truncation, or a dysfunctional protein product. This variant is rare in the general population with a frequency below the threshold expected for the associated phenotype(s). This variant has been observed in one or more individuals affected with the associated recessive disease, as either homozygous or compound heterozygous with a second variant (PMID: 24875751, 17458871). Given the available evidence, this variant is classified as Pathogenic.

Baylor Genetics
Classification: Pathogenic for Mucopolysaccharidosis type 6. Last evaluated: 2023-11-16. Review status: criteria provided, single submitter. Criteria: ACMG Guidelines, 2015. Collection method: clinical testing. Allele origin: unknown.

Labcorp Genetics (formerly Invitae), Labcorp
Classification: Pathogenic for Mucopolysaccharidosis type 6. Last evaluated: 2023-11-10. Review status: criteria provided, single submitter. Criteria: Invitae Variant Classification Sherloc (09022015). Collection method: clinical testing. Allele origin: germline.
Comment: This sequence change affects a donor splice site in intron 7 of the ARSB gene. While this variant is not anticipated to result in nonsense mediated decay, it likely alters RNA splicing and results in a disrupted protein product. This variant is present in population databases (rs768012515, gnomAD 0.002%). Disruption of this splice site has been observed in individual(s) with mucopolysaccharidosis type VI (PMID: 14974081, 17458871, 24875751). ClinVar contains an entry for this variant (Variation ID: 559702). Variants that disrupt the consensus splice site are a relatively common cause of aberrant splicing (PMID: 17576681, 9536098). Algorithms developed to predict the effect of sequence changes on RNA splicing suggest that this variant may disrupt the consensus splice site. For these reasons, this variant has been classified as Pathogenic.

Women's Health and Genetics/Laboratory Corporation of America, LabCorp
Classification: Pathogenic for Mucopolysaccharidosis type 6. Last evaluated: 2022-04-29. Review status: criteria provided, single submitter. Criteria: LabCorp Variant Classification Summary - May 2015. Collection method: clinical testing. Allele origin: germline.
Comment: Variant summary: ARSB c.1336+2T>G is located in a canonical splice-site and is predicted to affect mRNA splicing resulting in a significantly altered protein due to either exon skipping, shortening, or inclusion of intronic material. Several computational tools predict a significant impact on normal splicing: Four predict the variant abolishes a 5 splicing donor site. However, these predictions have yet to be confirmed by functional studies. The variant allele was found at a frequency of 1.2e-05 in 251398 control chromosomes (gnomAD). c.1336+2T>G has been reported in the literature in individuals affected with Mucopolysaccharidosis Type VI (Maroteaux-Lamy Syndrome), including two homozygotes (Karageorgos_2004, Karageorgos_2007, Chistiakov_2014). These data indicate that the variant is likely to be associated with disease. Three ClinVar submitters (evaluation after 2014) cite the variant as uncertain significance (n=1) and pathogenic (n=2). Based on the evidence outlined above, the variant was classified as pathogenic.

Laboratory of Diagnosis and Therapy of Lysosomal Disorders, University of Padova
Classification: Pathogenic for Mucopolysaccharidosis type 6. Last evaluated: 2018-01-01. Review status: criteria provided, single submitter. Criteria: ACMG Guidelines, 2015. Collection method: curation. Allele origin: germline. Affected: yes.
Comment: Splicing variant in canonical site (PVS1); In vitro functional studies supportive of a damaging effect on the gene product (low to no ARSB activity in homozygotes; PS3); Very low frequency in ExAC (PM2)

CeGaT Center for Human Genetics Tuebingen
Classification: Uncertain significance. Last evaluated: 2017-03-01. Review status: criteria provided, single submitter. Criteria: CeGaT Center For Human Genetics Tuebingen Variant Classification Criteria Version 2. Collection method: clinical testing. Allele origin: germline. Affected: yes. Observed: 1 variant allele.

Literature cited by the submitters: PubMed 24875751 (cited by 4 submitters); PubMed 17458871 (cited by 4 submitters); PubMed 14974081 (cited by 3 submitters); PubMed 17576681 (cited by Labcorp Genetics (formerly Invitae), Labcorp); PubMed 9536098 (cited by Labcorp Genetics (formerly Invitae), Labcorp); PubMed 30118150 (cited by Laboratory of Diagnosis and Therapy of Lysosomal Disorders, University of Padova).